The following is an entry in ClinVar:

NM_000055.4(BCHE):c.508G>A (p.Val170Met)

Gene: BCHE (butyrylcholinesterase; minus strand). Cytogenetic location: 3q26.1.
Variant type: single nucleotide variant.
Coding change: c.508G>A on transcript NM_000055.4 (MANE Select); coding-DNA position 508, G replaced by A.
Protein change: p.Val170Met; replaces valine 170 with methionine.
Molecular consequence: missense variant. On other transcripts: non-coding transcript variant (1).
Genome position (GRCh38, 1-based): chr3:165,830,526, C>T on the plus strand (G>A on the coding strand, the complement: BCHE is on the minus strand). VCF-style: chr3-165830526-C-T. GRCh37 (hg19) VCF-style: chr3-165548314-C-T.
Other names: V142M; c.508G>A (NM_000055.3); short protein forms V170M.
Identifiers: ClinVar variation 13217 (VCV000013217.6), dbSNP rs527843566, ClinGen allele CA2692492.

ClinVar aggregate classification (germline): Pathogenic/Likely pathogenic. Review status: criteria provided, multiple submitters, no conflicts (2 of 4 stars). 4 submissions from 4 submitters: Pathogenic (1); Likely pathogenic (2). 1 of the submissions does not count toward it. Last evaluated 2026-03-19.

Conditions:
BCHE-related disorder. Also called: BCHE-related condition.
BCHE, H variant.
Deficiency of butyrylcholinesterase (BCHED). Also called: Butyrylcholinesterase deficiency; Acholinesterasemia; Deficiency of butyrylcholine esterase; BCHE, silent 1. Identifiers: Orphanet 132, MedGen C1283400, MONDO:0015270, OMIM 617936.

Allele frequency attached by ClinVar (database versions not stated): TOPMed 0.00002; gnomAD 0.00003.
gnomAD v4.1: 51 of 1,613,846 alleles (0.0032%); highest among the groups gnomAD compares: Non-Finnish European, 0.0043%; no homozygotes.

Submissions (4):

Women's Health and Genetics/Laboratory Corporation of America, LabCorp
Classification: Likely pathogenic for Deficiency of butyrylcholinesterase. Last evaluated: 2026-03-19. Review status: criteria provided, single submitter. Criteria: LabCorp Variant Classification Summary - May 2015. Collection method: clinical testing. Allele origin: germline.
Comment: Variant summary: BCHE c.508G>A (p.Val170Met) results in a conservative amino acid change in the encoded protein sequence. Algorithms developed to predict the effect of missense changes on protein structure and function are either unavailable or do not agree on the potential impact of this missense change. The variant allele was found at a frequency of 5.6e-05 in 250662 control chromosomes. This frequency is not significantly higher than estimated for disease-causing variants in BCHE, allowing no conclusion about variant significance. c.508G>A has been observed in the compound heterozygous state together with a pathogenic variant in individuals affected with Deficiency Of Butyrylcholine Esterase and segregated with the phenotype in several families (Jensen_1992, Whittaker_1987). These data indicate that the variant is likely to be associated with disease. It has been reported that it results in approximately 10% activity versus the wild type protein (e.g. Lockridge_2015). The following publications have been ascertained in the context of this evaluation (PMID: 3557462, 1306123). ClinVar contains an entry for this variant (Variation ID: 13217). Based on the evidence outlined above, the variant was classified as likely pathogenic.

PreventionGenetics, part of Exact Sciences
Classification: Pathogenic for BCHE-related condition. Last evaluated: 2025-11-06. Review status: criteria provided, single submitter. Criteria: ACMG Guidelines, 2015. Collection method: clinical testing. Allele origin: germline.
Comment: The BCHE c.508G>A variant is predicted to result in the amino acid substitution p.Val170Met. This variant is also referred to as c.424G>A, p.(V142M), or the H-variant (H). This variant has been reported in the compound heterozygous state with another causative BCHE variant in four individuals from two unrelated families with succinylcholine sensitivity (Jensen et al. 1992. PubMed ID: 1306123). This variant is reported in 0.012% of alleles in individuals of European (Non-Finnish) descent in gnomAD. Functional studies revealed that the individuals who were compound heterozygous for this variant had reduced levels of BChE activity (Jensen et al. 1992. PubMed ID: 1306123). This variant is interpreted as pathogenic.

GeneDx
Classification: Likely pathogenic. Last evaluated: 2022-02-01. Review status: criteria provided, single submitter. Criteria: GeneDx Variant Classification Process June 2021. Collection method: clinical testing. Allele origin: germline. Affected: yes.
Comment: In silico analysis supports that this missense variant has a deleterious effect on protein structure/function; This variant is associated with the following publications: (PMID: 1306123, 23123771)

OMIM
Classification: Pathogenic for BCHE, H VARIANT. Last evaluated: 1992-10-01. Review status: no assertion criteria provided. Collection method: literature only. Allele origin: germline. Not counted in ClinVar's aggregate classification.

Literature cited by the submitters: PubMed 25448037 (cited by Women's Health and Genetics/Laboratory Corporation of America, LabCorp); PubMed 1306123 (cited by Women's Health and Genetics/Laboratory Corporation of America, LabCorp and OMIM); PubMed 3557462 (cited by Women's Health and Genetics/Laboratory Corporation of America, LabCorp); PubMed 3169798 (cited by OMIM).